The following is an entry in ClinVar:

NM_000520.6(HEXA):c.194dup (p.Gln66fs)

Gene: HEXA (hexosaminidase subunit alpha; minus strand). Cytogenetic location: 15q23.
Variant type: Duplication.
Coding change: c.194dup on transcript NM_000520.6 (MANE Select); coding-DNA position 194, one base duplicated (T; older notation c.194dupT).
Protein change: p.Gln66fs; shifts the reading frame from glutamine 66.
Molecular consequence: frameshift variant. On other transcripts: non-coding transcript variant (1).
Genome position (GRCh38, 1-based): chr15:72,375,779, A duplicated on the plus strand (T on the coding strand, the reverse complement: HEXA is on the minus strand); the first of 2 consecutive A bases (chr15:72,375,779-72,375,780); duplicating either gives the same sequence. VCF-style (leftmost placement, unchanged base first): chr15-72375778-G-GA. GRCh37 (hg19) VCF-style: chr15-72668119-G-GA.
Other names: c.194dup, p.Gln66fs (NM_001318825.2); short protein forms Q66fs.
Identifiers: ClinVar variation 4814255 (VCV004814255.1).

ClinVar aggregate classification (germline): Likely pathogenic (1 of 4 stars; one submission).

Conditions:
Tay-Sachs disease (TSD). Also called: HEXA DEFICIENCY; HEXA Disorders; GM2 gangliosidosis, type 1; Hexosaminidase alpha-subunit deficiency (variant B); Sphingolipidosis, Tay-Sachs; Hexosaminidase A Deficiency. Identifiers: Orphanet 845, MedGen C0039373, MONDO:0010100, OMIM 272800.

Submission:

Natera, Inc.
Classification: Likely pathogenic for Tay-Sachs disease. Last evaluated: 2025-07-25. Review status: criteria provided, single submitter. Criteria: Natera Variant Classification Schema (03/2026). Collection method: clinical testing. Allele origin: germline.
Comment: The c.194dup variant in HEXA is a frameshift variant predicted to shift the reading frame beginning at codon 66 and leads to a stop codon 5 codons downstream. This variant is expected to result in nonsense mediated decay, truncation, or a dysfunctional protein product. This variant is rare in the general population with a frequency below the threshold expected for the associated phenotype(s). Given the available evidence, this variant is classified as Likely Pathogenic.